The following is an entry in ClinVar:

NM_007194.4(CHEK2):c.1328dup (p.Tyr445fs)

Gene: CHEK2 (checkpoint kinase 2; minus strand). Cytogenetic location: 22q12.1.
Variant type: Duplication.
Coding change: c.1328dup on transcript NM_007194.4 (MANE Select); coding-DNA position 1328, one base duplicated (G; older notation c.1328dupG).
Protein change: p.Tyr445fs; shifts the reading frame from tyrosine 445.
Molecular consequence: frameshift variant.
Genome position (GRCh38, 1-based): chr22:28,695,174, C duplicated on the plus strand (G on the coding strand, the reverse complement: CHEK2 is on the minus strand); the first of 2 consecutive C bases (chr22:28,695,174-28,695,175); duplicating either gives the same sequence. VCF-style (leftmost placement, unchanged base first): chr22-28695173-T-TC. GRCh37 (hg19) VCF-style: chr22-29091161-T-TC.
Other names: c.1456dup, p.Tyr488Ilefs (NM_001005735.3); c.664dup, p.Tyr224Ilefs (NM_001257387.3); c.1126dup, p.Tyr378Ilefs (NM_001349956.3); c.1240dup, p.Tyr416Ilefs (NM_145862.3); short protein forms Y445fs, Y488fs, Y224fs, Y378fs, Y416fs.
Identifiers: ClinVar variation 3661748 (VCV003661748.2).

ClinVar aggregate classification (germline): Pathogenic (1 of 4 stars; one submission).

Conditions:
Familial cancer of breast. Also called: Hereditary breast cancer; hereditary breast carcinoma; BREAST CANCER, FAMILIAL. Identifiers: Orphanet 227535, MedGen C0346153, MONDO:0016419, OMIM 114480. Disease mechanism: loss of function.

Submission:

Labcorp Genetics (formerly Invitae), Labcorp
Classification: Pathogenic for Familial cancer of breast. Last evaluated: 2024-08-08. Review status: criteria provided, single submitter. Criteria: Invitae Variant Classification Sherloc (09022015). Collection method: clinical testing. Allele origin: germline.
Comment: This sequence change creates a premature translational stop signal (p.Tyr445Ilefs*6) in the CHEK2 gene. It is expected to result in an absent or disrupted protein product. Loss-of-function variants in CHEK2 are known to be pathogenic (PMID: 21876083, 24713400). This variant is not present in population databases (gnomAD no frequency). This variant has not been reported in the literature in individuals affected with CHEK2-related conditions. Algorithms developed to predict the effect of sequence changes on RNA splicing suggest that this variant may disrupt the consensus splice site. For these reasons, this variant has been classified as Pathogenic.

Literature cited by the submitters: PubMed 21876083; PubMed 24713400.